The following is an entry in ClinVar:

ClinVar aggregate classification (germline): Uncertain significance (1 of 4 stars; one submission).

Conditions:
Familial adenomatous polyposis 1 (FAP1). Also called: FAMILIAL ADENOMATOUS POLYPOSIS 1, ATTENUATED; POLYPOSIS, ADENOMATOUS INTESTINAL. Identifiers: MedGen C2713442, MONDO:0021056, OMIM 175100. Disease mechanism: loss of function.

Allele frequency attached by ClinVar (database versions not stated): gnomAD exomes 0.00001 and 0.00004; ExAC 0.00028.

Submission:

Labcorp Genetics (formerly Invitae), Labcorp
Classification: Uncertain significance for Familial adenomatous polyposis 1. Last evaluated: 2023-03-26. Review status: criteria provided, single submitter. Criteria: Invitae Variant Classification Sherloc (09022015). Collection method: clinical testing. Allele origin: germline.
Comment: This variant occurs in a non-coding region of the APC gene. It does not change the encoded amino acid sequence of the APC protein. In summary, the available evidence is currently insufficient to determine the role of this variant in disease. Therefore, it has been classified as a Variant of Uncertain Significance. Experimental studies and prediction algorithms are not available or were not evaluated, and the functional significance of this variant is currently unknown. This variant has not been reported in the literature in individuals affected with APC-related conditions. This variant is present in population databases (rs758585951, gnomAD 0.02%).

NM_001127511.3(APC):c.164A>G (p.Gln55Arg)

Gene: APC (APC regulator of Wnt signaling pathway; plus strand). Cytogenetic location: 5q22.2.
Variant type: single nucleotide variant.
Coding change: c.164A>G on transcript NM_001127511.3; coding-DNA position 164, A replaced by G.
Protein change: p.Gln55Arg; replaces glutamine 55 with arginine.
Molecular consequence: missense variant. On other transcripts: 5 prime UTR variant (8), non-coding transcript variant (1), intron variant (5).
Genome position (GRCh38, 1-based): chr5:112,707,881, A>G. VCF-style: chr5-112707881-A-G. GRCh37 (hg19) VCF-style: chr5-112043578-A-G.
Other names: c.-20A>G (NM_001354895.2, NM_001407447.1, NM_001407452.1 and 3 more transcripts); c.164A>G, p.Gln55Arg (NM_001354897.2, NM_001354902.2, NM_001407446.1); c.-1055A>G (NM_001407470.1, NM_001407472.1); c.-19+232A>G (NM_001407448.1, NM_001407450.1, NM_001407457.1 and 1 more transcripts); c.-43+232A>G (NM_001407453.1); short protein forms Q55R.
Identifiers: ClinVar variation 1483771 (VCV001483771.6), dbSNP rs758585951, ClinGen allele CA054951.
Genomic context (GRCh38, chr5:112,707,881, plus strand): 5'-GGCAGGAGACGAAGAGCCCGGGCGGCGCTCGTACTTCTGGCCACTGGGCGAGCGTCTGGC[A>G]GGTGAGTGAGGCTGCAGGCATTGACGTCTCCTCCCGGCAAAGCTTCCTCGGCTTTGCCCC-3'